The following is an entry in ClinVar:

ClinVar aggregate classification (germline): Pathogenic (1 of 4 stars; one submission).

Submission:

Labcorp Genetics (formerly Invitae), Labcorp
Classification: Pathogenic. Last evaluated: 2025-01-23. Review status: criteria provided, single submitter. Criteria: Invitae Variant Classification Sherloc (09022015). Collection method: clinical testing. Allele origin: germline.
Comment: This sequence change creates a premature translational stop signal (p.Leu161Thrfs*24) in the MME gene. It is expected to result in an absent or disrupted protein product. Loss-of-function variants in MME are known to be pathogenic (PMID: 26991897). This variant is not present in population databases (gnomAD no frequency). This variant has not been reported in the literature in individuals affected with MME-related conditions. For these reasons, this variant has been classified as Pathogenic.

Literature cited by the submitters: PubMed 26991897.

NM_007289.4(MME):c.480_481del (p.Leu161fs)

Gene: MME (membrane metalloendopeptidase; plus strand). Cytogenetic location: 3q25.2.
Variant type: Deletion.
Coding change: c.480_481del on transcript NM_007289.4 (MANE Select); coding-DNA positions 480 to 481, 2 bases deleted (GT; older notation c.480_481delGT).
Protein change: p.Leu161fs; shifts the reading frame from leucine 161.
Molecular consequence: frameshift variant.
Genome position (GRCh38, 1-based): chr3:155,116,704-155,116,705, GT deleted; deleting any 2 consecutive bases within chr3:155,116,703-155,116,705 gives the same sequence; the c. name uses the placement nearest the transcript's 3' end. VCF-style (leftmost placement, unchanged base first): chr3-155116702-CTG-C. GRCh37 (hg19) VCF-style: chr3-154834491-CTG-C.
Other names: c.480_481del, p.Leu161fs (NM_000902.5, NM_001354642.2, NM_001354643.1 and 2 more transcripts); short protein forms L161fs.
Identifiers: ClinVar variation 3661989 (VCV003661989.2).